The following is an entry in ClinVar:

ClinVar aggregate classification (germline): Likely benign. Review status: criteria provided, multiple submitters, no conflicts (2 of 4 stars). 2 submissions from 2 submitters: Likely benign (2). Last evaluated 2026-01-01.

Conditions:
Leber congenital amaurosis 1 (LCA1). Also called: AMAUROSIS CONGENITA OF LEBER I; RETINAL BLINDNESS, CONGENITAL; Congenital absence of the rods and cones; Leber's congenital tapetoretinal degeneration; Leber's congenital tapetoretinal dysplasia. Identifiers: Orphanet 65, MedGen C2931258, MONDO:0008764, OMIM 204000.
Cone-rod dystrophy 6 (CORD6). Also called: Cone dystrophy progressive; RETINAL CONE DYSTROPHY 2. Identifiers: Orphanet 1872, MedGen C1866293, MONDO:0011143, OMIM 601777.

Allele frequency attached by ClinVar (database versions not stated): TOPMed below 0.00001; gnomAD 0.00001; gnomAD exomes 0.00002 and 0.00003.

Submissions (2):

CeGaT Center for Human Genetics Tuebingen
Classification: Likely benign. Last evaluated: 2026-01-01. Review status: criteria provided, single submitter. Criteria: CeGaT Center For Human Genetics Tuebingen Variant Classification Criteria Version 2. Collection method: clinical testing. Allele origin: germline. Affected: yes. Observed: 1 variant allele.
Comment: GUCY2D: BP4, BP7

Labcorp Genetics (formerly Invitae), Labcorp
Classification: Likely benign for Leber congenital amaurosis 1; Cone-rod dystrophy 6. Last evaluated: 2024-01-08. Review status: criteria provided, single submitter. Criteria: Invitae Variant Classification Sherloc (09022015). Collection method: clinical testing. Allele origin: germline.

NM_000180.4(GUCY2D):c.270G>A (p.Leu90=)

Gene: GUCY2D (guanylate cyclase 2D, retinal; plus strand). Cytogenetic location: 17p13.1.
Variant type: single nucleotide variant.
Coding change: c.270G>A on transcript NM_000180.4 (MANE Select); coding-DNA position 270, G replaced by A.
Protein change: p.Leu90=; no amino-acid change (leucine 90 retained).
Molecular consequence: synonymous variant.
Genome position (GRCh38, 1-based): chr17:8,003,317, G>A. VCF-style: chr17-8003317-G-A. GRCh37 (hg19) VCF-style: chr17-7906635-G-A.
Identifiers: ClinVar variation 1613104 (VCV001613104.12), dbSNP rs1411984596, ClinGen allele CA497953035.